The following is an entry in ClinVar:

ClinVar aggregate classification (germline): Conflicting classifications of pathogenicity. Review status: criteria provided, conflicting classifications (1 of 4 stars). 7 submissions from 7 submitters: Uncertain significance (4); Likely benign (2). 1 of the submissions does not count toward it. Last evaluated 2025-10-18.

Conditions:
ATM-related disorder. Also called: ATM-related disorders; ATM-related condition.
Hereditary cancer-predisposing syndrome. Also called: Neoplastic Syndromes, Hereditary; Hereditary Cancer Syndrome; Tumor predisposition; Hereditary neoplastic syndrome. Identifiers: Orphanet 140162, MedGen C0027672, MeSH D009386, MONDO:0015356.
Familial cancer of breast. Also called: BREAST CANCER, FAMILIAL; hereditary breast carcinoma; Hereditary breast cancer. Identifiers: Orphanet 227535, MedGen C0346153, MONDO:0016419, OMIM 114480. Disease mechanism: loss of function.
Ataxia-telangiectasia syndrome (AT). Also called: Ataxia-telangiectasia, complementation group D; AT, COMPLEMENTATION GROUP C; Ataxia-telangiectasia; ATAXIA-TELANGIECTASIA, COMPLEMENTATION GROUP A; ATAXIA-TELANGIECTASIA, FRESNO VARIANT; Ataxia-telangiectasia, complementation group E. Identifiers: Orphanet 100, MedGen C0004135, MONDO:0008840, OMIM 208900.

Submissions (7):

Labcorp Genetics (formerly Invitae), Labcorp
Classification: Likely benign for Ataxia-telangiectasia syndrome. Last evaluated: 2025-10-18. Review status: criteria provided, single submitter. Criteria: Invitae Variant Classification Sherloc (09022015). Collection method: clinical testing. Allele origin: germline.

Mayo Clinic Laboratories, Mayo Clinic
Classification: Uncertain significance. Last evaluated: 2025-01-23. Review status: criteria provided, single submitter. Criteria: ACMG Guidelines, 2015. Collection method: clinical testing. Allele origin: germline. Observed: 1 variant allele.
Comment: PM2_supporting

Color Diagnostics, LLC DBA Color Health
Classification: Uncertain significance for Hereditary cancer-predisposing syndrome. Last evaluated: 2024-12-23. Review status: criteria provided, single submitter. Criteria: ACMG Guidelines, 2015. Collection method: clinical testing. Allele origin: germline.
Comment: This variant deletes two nucleotides in intron 56 of the ATM gene. Splice site prediction tools suggest that this variant may impact RNA splicing, however, this prediction has not been confirmed in published RNA studies. To our knowledge, this variant has not been reported in individuals affected with hereditary cancer in the literature. This variant has not been identified in the general population by the Genome Aggregation Database (gnomAD). The available evidence is insufficient to determine the role of this variant in disease conclusively. Therefore, this variant is classified as a Variant of Uncertain Significance.

Myriad Genetics, Inc.
Classification: Likely benign for Familial cancer of breast. Last evaluated: 2024-06-19. Review status: criteria provided, single submitter. Criteria: Myriad Autosomal Dominant, Autosomal Recessive and X-Linked Classification Criteria (2023). Collection method: clinical testing. Allele origin: unknown.
Comment: This variant is considered likely benign. This variant is strongly associated with less severe personal and family histories of cancer, typical for individuals without pathogenic variants in this gene [PMID: 25085752].

GeneDx
Classification: Uncertain significance. Last evaluated: 2023-12-05. Review status: criteria provided, single submitter. Criteria: GeneDx Variant Classification Process June 2021. Collection method: clinical testing. Allele origin: germline. Affected: yes.
Comment: Not observed at significant frequency in large population cohorts (gnomAD); Has not been previously published as pathogenic or benign to our knowledge; In silico analysis is inconclusive as to whether the variant alters gene splicing. In the absence of RNA/functional studies, the actual effect of this sequence change is unknown.

Women's Health and Genetics/Laboratory Corporation of America, LabCorp
Classification: Uncertain significance. Last evaluated: 2022-03-25. Review status: criteria provided, single submitter. Criteria: LabCorp Variant Classification Summary - May 2015. Collection method: clinical testing. Allele origin: germline.

PreventionGenetics, part of Exact Sciences
Classification: Likely benign for ATM-related condition. Last evaluated: 2019-08-23. Review status: no assertion criteria provided. Collection method: clinical testing. Allele origin: germline. Not counted in ClinVar's aggregate classification.
Comment: This variant is classified as likely benign based on ACMG/AMP sequence variant interpretation guidelines (Richards et al. 2015 PMID: 25741868, with internal and published modifications).

Literature cited by the submitters: PubMed 25085752 (cited by Myriad Genetics, Inc.).

NM_000051.4(ATM):c.8269-10_8269-9del

Genes: ATM (ATM serine/threonine kinase; plus strand), C11orf65 (chromosome 11 open reading frame 65; minus strand). Cytogenetic location: 11q22.3.
Variant type: Deletion.
Coding change: c.8269-10_8269-9del on transcript NM_000051.4 (MANE Select); 10 bases into the intron before coding-DNA position 8269 through 9 bases into the intron before coding-DNA position 8269, 2 bases deleted (GT; older notation c.8269-10_8269-9delGT).
Molecular consequence: intron variant.
Genome position (GRCh38, 1-based): chr11:108,343,212-108,343,213, GT deleted; deleting any 2 consecutive bases within chr11:108,343,211-108,343,213 gives the same sequence; the c. name uses the placement nearest the transcript's 3' end. VCF-style (leftmost placement, unchanged base first): chr11-108343210-CTG-C. GRCh37 (hg19) VCF-style: chr11-108213937-CTG-C.
Other names: p.?; c.8269-10_8269-9del (NM_000051.3, NM_001351834.2); c.641-34141_641-34140del (NM_001330368.2); c.695-7920_695-7919del (NM_001351110.2); c.8269-10_8269-9delGT (NM_000051.3).
Identifiers: ClinVar variation 127458 (VCV000127458.27), dbSNP rs587780641, ClinGen allele CA287018.